The following is an entry in ClinVar:

NM_020719.3(PRR12):c.313T>C (p.Ser105Pro)

Gene: PRR12 (proline rich 12; plus strand). Cytogenetic location: 19q13.33.
Variant type: single nucleotide variant.
Coding change: c.313T>C on transcript NM_020719.3 (MANE Select); coding-DNA position 313, T replaced by C.
Protein change: p.Ser105Pro; replaces serine 105 with proline.
Molecular consequence: missense variant.
Genome position (GRCh38, 1-based): chr19:49,594,567, T>C. VCF-style: chr19-49594567-T-C. GRCh37 (hg19) VCF-style: chr19-50097824-T-C.
Other names: short protein forms S105P.
Identifiers: ClinVar variation 1804511 (VCV001804511.1), dbSNP rs2514269253, ClinGen allele CA406853453.
Genomic context (GRCh38, chr19:49,594,567, plus strand): 5'-GACGCCTCCGTCATGAACCTTATCTCGGCCCTGGAATCCCGGGGCCCCCAGCCTGGCCCC[T>C]CCGCCTCCTCTCTCCTCTCCCAGTTCCGCAGTCCTTCCTGGCAAACAGGTAAGCCCAGCG-3'
Protein context (NP_065770.1, residues 95-115): LESRGPQPGP[Ser105Pro]ASSLLSQFRS

ClinVar aggregate classification (germline): Uncertain significance (1 of 4 stars; one submission).

Allele frequency attached by ClinVar (database versions not stated): gnomAD exomes below 0.00001.
gnomAD v4.1: 1 of 1,612,842 alleles (0.000062%); highest among the groups gnomAD compares: Non-Finnish European, 0.000085%; no homozygotes.

Submission:

GeneDx
Classification: Uncertain significance. Last evaluated: 2022-06-15. Review status: criteria provided, single submitter. Criteria: GeneDx Variant Classification Process June 2021. Collection method: clinical testing. Allele origin: germline. Affected: yes.
Comment: Not observed at significant frequency in large population cohorts (gnomAD); In silico analysis supports that this missense variant has a deleterious effect on protein structure/function; Has not been previously published as pathogenic or benign to our knowledge